The following is an entry in ClinVar:

NM_004863.4(SPTLC2):c.97A>C (p.Ser33Arg)

Gene: SPTLC2 (serine palmitoyltransferase long chain base subunit 2; minus strand). Cytogenetic location: 14q24.3.
Variant type: single nucleotide variant.
Coding change: c.97A>C on transcript NM_004863.4 (MANE Select); coding-DNA position 97, A replaced by C.
Protein change: p.Ser33Arg; replaces serine 33 with arginine.
Molecular consequence: missense variant.
Genome position (GRCh38, 1-based): chr14:77,616,483, T>G on the plus strand (A>C on the coding strand, the complement: SPTLC2 is on the minus strand). VCF-style: chr14-77616483-T-G. GRCh37 (hg19) VCF-style: chr14-78082826-T-G.
Other names: short protein forms S33R.
Identifiers: ClinVar variation 4979644 (VCV004979644.1).
Genomic context (GRCh38, chr14:77,616,483, plus strand): 5'-GCCCCGCCGCGCGGGCCCCTCGTACCTGGCCGGCGGCGGCTGCGGCTGCGGCTGCAGCGC[T>G]GCTCCTCACGTACCCGTTCCGTACTTCCCCGTTCGCCACGCAGCCATTCGCCCGCACCGT-3'
Protein context (NP_004854.1, residues 23-43): GEVRNGYVRS[Ser33Arg]AAAAAAAAAG

ClinVar aggregate classification (germline): Uncertain significance (1 of 4 stars; one submission).

Conditions:
SPTLC2-related disorder. Also called: SPTLC2-related condition.

gnomAD v4.1: 3 of 1,522,690 alleles (0.0002%); highest among the groups gnomAD compares: African/African-American, 0.0042%; no homozygotes.

Submission:

PreventionGenetics, part of Exact Sciences
Classification: Uncertain significance for SPTLC2-related condition. Last evaluated: 2025-12-01. Review status: criteria provided, single submitter. Criteria: ACMG Guidelines, 2015. Collection method: clinical testing. Allele origin: germline.
Comment: The SPTLC2 c.97A>C variant is predicted to result in the amino acid substitution p.Ser33Arg. To our knowledge, this variant has not been reported in the literature. This variant is reported in 0.012% of alleles in individuals of African descent in gnomAD. At this time, the clinical significance of this variant is uncertain due to the absence of conclusive functional and genetic evidence.